The following is an entry in ClinVar:

ClinVar aggregate classification (germline): Pathogenic (1 of 4 stars; one submission).

Submission:

Labcorp Genetics (formerly Invitae), Labcorp
Classification: Pathogenic. Last evaluated: 2024-10-17. Review status: criteria provided, single submitter. Criteria: Invitae Variant Classification Sherloc (09022015). Collection method: clinical testing. Allele origin: germline.
Comment: This sequence change replaces cysteine, which is neutral and slightly polar, with arginine, which is basic and polar, at codon 387 of the COMP protein (p.Cys387Arg). This variant is not present in population databases (gnomAD no frequency). This missense change has been observed in individual(s) with epiphyseal dysplasia and/or pseudoachondroplasia (PMID: 21922596; internal data). In at least one individual the variant was observed to be de novo. Invitae Evidence Modeling of protein sequence and biophysical properties (such as structural, functional, and spatial information, amino acid conservation, physicochemical variation, residue mobility, and thermodynamic stability) indicates that this missense variant is expected to disrupt COMP protein function with a positive predictive value of 80%. This variant disrupts the p.Cys38 amino acid residue in COMP. Other variant(s) that disrupt this residue have been observed in individuals with COMP-related conditions (PMID: 9921895, 21922596), which suggests that this may be a clinically significant amino acid residue. For these reasons, this variant has been classified as Pathogenic.

Literature cited by the submitters: PubMed 21922596; PubMed 9921895.

NM_000095.3(COMP):c.1159T>C (p.Cys387Arg)

Gene: COMP (cartilage oligomeric matrix protein; minus strand). Cytogenetic location: 19p13.11.
Variant type: single nucleotide variant.
Coding change: c.1159T>C on transcript NM_000095.3 (MANE Select); coding-DNA position 1159, T replaced by C.
Protein change: p.Cys387Arg; replaces cysteine 387 with arginine.
Molecular consequence: missense variant.
Genome position (GRCh38, 1-based): chr19:18,786,627, A>G on the plus strand (T>C on the coding strand, the complement: COMP is on the minus strand). VCF-style: chr19-18786627-A-G. GRCh37 (hg19) VCF-style: chr19-18897437-A-G.
Other names: short protein forms C387R.
Identifiers: ClinVar variation 3723507 (VCV003723507.2).
Genomic context (GRCh38, chr19:18,786,627, plus strand): 5'-AGGCATCCCCTATACCATCGCCATCACTGTCCTTCTGGTCTGAGTTGGGTACCCTAGGGC[A>G]GTTGTCGGCCTGGTTGCGGATCCCTGCAGAAATCCACGGGACCAGAGCCCCAAGATTGGG-3'
Protein context (NP_000086.2, residues 377-397): GDRIRNQADN[Cys387Arg]PRVPNSDQKD